The following is an entry in ClinVar:

NM_207122.2(EXT2):c.*129C>G

Gene: EXT2 (exostosin glycosyltransferase 2; plus strand). Cytogenetic location: 11p11.2.
Variant type: single nucleotide variant.
Coding change: c.*129C>G on transcript NM_207122.2 (MANE Select); 129 bases downstream of the stop codon, C replaced by G.
Molecular consequence: 3 prime UTR variant.
Genome position (GRCh38, 1-based): chr11:44,244,416, C>G. VCF-style: chr11-44244416-C-G. GRCh37 (hg19) VCF-style: chr11-44265966-C-G.
Other names: c.*129C>G (NM_000401.3, NM_001178083.3, NM_001389628.1 and 1 more transcripts).
Identifiers: ClinVar variation 304598 (VCV000304598.5), dbSNP rs141864253, ClinGen allele CA10630868.

ClinVar aggregate classification (germline): Likely benign (1 of 4 stars; one submission).

Conditions:
Exostoses, multiple, type 2 (EXT2). Also called: Hereditary Multiple Osteochondromatosis, Type II; EXOSTOSES, MULTIPLE, TYPE II. Identifiers: Orphanet 321, MedGen C1851413, MONDO:0007586, OMIM 133701.

Allele frequency attached by ClinVar (database versions not stated): gnomAD 0.00011 and 0.00016; gnomAD exomes 0.00019; TOPMed 0.00024; 1000 Genomes Project 30x 0.00047; 1000 Genomes Project 0.00060.
gnomAD v4.1: 160 of 884,658 alleles (0.018%); highest among the groups gnomAD compares: East Asian, 0.35%; no homozygotes.

Submission:

Illumina Laboratory Services, Illumina
Classification: Likely benign for Exostoses, multiple, type 2. Last evaluated: 2017-04-27. Review status: criteria provided, single submitter. Criteria: ICSL Variant Classification Criteria 13 December 2019. Collection method: clinical testing. Allele origin: germline.
Comment: This variant was observed as part of a predisposition screen in an ostensibly healthy population. A literature search was performed for the gene, cDNA change, and amino acid change (where applicable). Publications were found based on this search. The evidence from the literature, in combination with allele frequency data from public databases where available, was sufficient to determine this variant is unlikely to cause disease. Therefore, this variant is classified as likely benign.

Literature cited by the submitters: PubMed 24496678.